The following is an entry in ClinVar:

ClinVar aggregate classification (germline): Uncertain significance. Review status: criteria provided, multiple submitters, no conflicts (2 of 4 stars). 3 submissions from 3 submitters: Uncertain significance (3). Last evaluated 2025-09-09.

Conditions:
Cardiovascular phenotype. Identifiers: MedGen CN230736.
Myofibrillar myopathy 4. Also called: Zaspopathy (type). Identifiers: Orphanet 98912, MedGen C4721886, MONDO:0012277, OMIM 609452.

Allele frequency attached by ClinVar (database versions not stated): gnomAD 0.00002; gnomAD exomes 0.00004 and 0.00008; TOPMed 0.00005; ExAC 0.00010.
gnomAD v4.1: 57 of 1,613,268 alleles (0.0035%); highest among the groups gnomAD compares: South Asian, 0.033%; 1 homozygote.

Submissions (3):

Ambry Genetics
Classification: Uncertain significance for Cardiovascular phenotype. Last evaluated: 2025-09-09. Review status: criteria provided, single submitter. Criteria: Ambry Variant Classification Scheme 2023. Collection method: clinical testing. Allele origin: germline.

Labcorp Genetics (formerly Invitae), Labcorp
Classification: Uncertain significance for Myofibrillar myopathy 4. Last evaluated: 2024-10-16. Review status: criteria provided, single submitter. Criteria: Invitae Variant Classification Sherloc (09022015). Collection method: clinical testing. Allele origin: germline.
Comment: This sequence change replaces arginine, which is basic and polar, with histidine, which is basic and polar, at codon 16 of the LDB3 protein (p.Arg16His). The frequency data for this variant in the population databases is considered unreliable, as metrics indicate poor data quality at this position in the gnomAD database. This missense change has been observed in individual(s) with muscle weakness (PMID: 36703223). ClinVar contains an entry for this variant (Variation ID: 969485). An algorithm developed to predict the effect of missense changes on protein structure and function (PolyPhen-2) suggests that this variant is likely to be disruptive. In summary, the available evidence is currently insufficient to determine the role of this variant in disease. Therefore, it has been classified as a Variant of Uncertain Significance.

Dubai Health Genomic Medicine Center, Dubai Health
Classification: Uncertain significance for Myofibrillar myopathy 4. Last evaluated: 2020-03-22. Review status: criteria provided, single submitter. Criteria: ACMG Guidelines, 2015. Collection method: clinical testing. Allele origin: germline. Affected: yes.
Comment: The p.Arg16His variant in LDB3 has not been previously reported in affected individuals but was identified in 16/30614 (0.0523% 0 homozygotes) South Asian alleles in the Genome Aggregation Database (gnomAD). Computational prediction tools and conservation analyses do not provide evidence for or against pathogenicity. In summary additional information is needed to fully assess the clinical significance of this variant.

Literature cited by the submitters: PubMed 36703223 (cited by Labcorp Genetics (formerly Invitae), Labcorp).

NM_007078.3(LDB3):c.47G>A (p.Arg16His)

Gene: LDB3 (LIM domain binding 3; plus strand). Cytogenetic location: 10q23.2.
Variant type: single nucleotide variant.
Coding change: c.47G>A on transcript NM_007078.3 (MANE Select); coding-DNA position 47, G replaced by A.
Protein change: p.Arg16His; replaces arginine 16 with histidine.
Molecular consequence: missense variant.
Genome position (GRCh38, 1-based): chr10:86,668,738, G>A. VCF-style: chr10-86668738-G-A. GRCh37 (hg19) VCF-style: chr10-88428495-G-A.
Other names: c.47G>A, p.Arg16His (NM_001080116.1, NM_001080114.2, NM_001080115.2 and 8 more transcripts); c.47G>A (NM_007078.2); short protein forms R16H.
Identifiers: ClinVar variation 969485 (VCV000969485.15), dbSNP rs767986134, ClinGen allele CA5584567.